The following is an entry in ClinVar:

NM_001048174.2(MUTYH):c.890_891insACTAAGCCTCAGGGAGCCTGTCGGG (p.Ser298fs)

Gene: MUTYH (mutY DNA glycosylase; minus strand). Cytogenetic location: 1p34.1.
Variant type: Insertion.
Coding change: c.890_891insACTAAGCCTCAGGGAGCCTGTCGGG on transcript NM_001048174.2 (MANE Select); coding-DNA positions 890 to 891, ACTAAGCCTCAGGGAGCCTGTCGGG inserted.
Protein change: p.Ser298fs; shifts the reading frame from serine 298.
Molecular consequence: frameshift variant. On other transcripts: non-coding transcript variant (2).
Genome position: GRCh38 VCF-style: chr1-45332045-G-GCCCGACAGGCTCCCTGAGGCTTAGT. GRCh37 (hg19) VCF-style: chr1-45797717-G-GCCCGACAGGCTCCCTGAGGCTTAGT.
Other names: c.890_891insACTAAGCCTCAGGGAGCCTGTCGGG, p.Ser298fs (NM_001048171.2, NM_001048173.2, NM_001293195.2); c.893_894insACTAAGCCTCAGGGAGCCTGTCGGG, p.Ser299fs (NM_001048172.2); c.974_975insACTAAGCCTCAGGGAGCCTGTCGGG, p.Ser326fs (NM_001128425.2); c.935_936insACTAAGCCTCAGGGAGCCTGTCGGG, p.Ser313fs (NM_001293190.2); c.923_924insACTAAGCCTCAGGGAGCCTGTCGGG, p.Ser309fs (NM_001293191.2); c.614_615insACTAAGCCTCAGGGAGCCTGTCGGG, p.Ser206fs (NM_001293192.2, NM_001293196.2); c.545_546insACTAAGCCTCAGGGAGCCTGTCGGG, p.Ser183fs (NM_001350650.2, NM_001350651.2); c.902_903insAGCCTCAGGGAGCCTGTCGGGACTA, p.Ser309Leufs (NM_001407069.1, NM_001407077.1); and 10 more; short protein forms S299fs, S323fs, S206fs, S309fs, S313fs, S298fs, S326fs, S183fs.
Identifiers: ClinVar variation 2116350 (VCV002116350.4), dbSNP rs2524050386, ClinGen allele CA2580063041.

ClinVar aggregate classification (germline): Pathogenic (1 of 4 stars; one submission).

Conditions:
Familial adenomatous polyposis 2. Also called: MUTYH Polyposis; COLORECTAL ADENOMATOUS POLYPOSIS, AUTOSOMAL RECESSIVE; ADENOMAS, MULTIPLE COLORECTAL, AUTOSOMAL RECESSIVE; MUTYH-associated polyposis; MYH-associated polyposis; MUTYH-related attenuated familial adenomatous polyposis. Identifiers: Orphanet 220460, Orphanet 247798, MedGen C3272841, MONDO:0012041, OMIM 608456.

Submission:

Labcorp Genetics (formerly Invitae), Labcorp
Classification: Pathogenic for Familial adenomatous polyposis 2. Last evaluated: 2023-05-08. Review status: criteria provided, single submitter. Criteria: Invitae Variant Classification Sherloc (09022015). Collection method: clinical testing. Allele origin: germline.
Comment: For these reasons, this variant has been classified as Pathogenic. ClinVar contains an entry for this variant (Variation ID: 2116350). This variant has not been reported in the literature in individuals affected with MUTYH-related conditions. This variant is not present in population databases (gnomAD no frequency). This sequence change creates a premature translational stop signal (p.Ser326Leufs*11) in the MUTYH gene. It is expected to result in an absent or disrupted protein product. Loss-of-function variants in MUTYH are known to be pathogenic (PMID: 18534194, 20663686).

Literature cited by the submitters: PubMed 18534194; PubMed 20663686.